The following is an entry in ClinVar:

ClinVar aggregate classification (germline): Uncertain significance (1 of 4 stars; one submission).

Submission:

Labcorp Genetics (formerly Invitae), Labcorp
Classification: Uncertain significance. Last evaluated: 2024-04-22. Review status: criteria provided, single submitter. Criteria: Invitae Variant Classification Sherloc (09022015). Collection method: clinical testing. Allele origin: germline.
Comment: This sequence change replaces leucine, which is neutral and non-polar, with valine, which is neutral and non-polar, at codon 69 of the SLC26A1 protein (p.Leu69Val). This variant is not present in population databases (gnomAD no frequency). This variant has not been reported in the literature in individuals affected with SLC26A1-related conditions. Advanced modeling of protein sequence and biophysical properties (such as structural, functional, and spatial information, amino acid conservation, physicochemical variation, residue mobility, and thermodynamic stability) performed at Invitae indicates that this missense variant is not expected to disrupt SLC26A1 protein function with a negative predictive value of 80%. In summary, the available evidence is currently insufficient to determine the role of this variant in disease. Therefore, it has been classified as a Variant of Uncertain Significance.

NM_022042.4(SLC26A1):c.205C>G (p.Leu69Val)

Genes: IDUA (alpha-L-iduronidase; plus strand), SLC26A1 (solute carrier family 26 member 1; minus strand). Cytogenetic location: 4p16.3.
Variant type: single nucleotide variant.
Coding change: c.205C>G on transcript NM_022042.4 (MANE Select); coding-DNA position 205, C replaced by G.
Protein change: p.Leu69Val; replaces leucine 69 with valine.
Molecular consequence: missense variant. On other transcripts: intron variant (1).
Genome position (GRCh38, 1-based): chr4:991,499, G>C on the plus strand (C>G on the coding strand, the complement: SLC26A1 is on the minus strand). VCF-style: chr4-991499-G-C. GRCh37 (hg19) VCF-style: chr4-985287-G-C.
Other names: c.205C>G, p.Leu69Val (NM_134425.4, NM_213613.4); c.299+3550G>C (NM_000203.5); short protein forms L69V.
Identifiers: ClinVar variation 2760384 (VCV002760384.3), dbSNP rs2534036012, ClinGen allele CA355958341.